The following is an entry in ClinVar:

NC_000001.10:g.(?_2339881)_(2340307_?)del

Gene: PEX10 (peroxisomal biogenesis factor 10; minus strand). Cytogenetic location: 1p36.32.
Variant type: Deletion.
Identifiers: ClinVar variation 2427449 (VCV002427449.4).

ClinVar aggregate classification (germline): Pathogenic (1 of 4 stars; one submission).

Conditions:
Peroxisome biogenesis disorder, complementation group 7 (CG7). Also called: Peroxisome biogenesis disorder, complementation group B. Identifiers: MedGen C1864399.

Submission:

Labcorp Genetics (formerly Invitae), Labcorp
Classification: Pathogenic for Peroxisome biogenesis disorder, complementation group 7. Last evaluated: 2022-02-02. Review status: criteria provided, single submitter. Criteria: Invitae Variant Classification Sherloc (09022015). Collection method: clinical testing. Allele origin: germline.
Comment: For these reasons, this variant has been classified as Pathogenic. This variant has not been reported in the literature in individuals affected with PEX10-related conditions. This variant is a gross deletion of the genomic region encompassing exon(s) 3 of the PEX10 gene. This deletion is out-of-frame, and is expected to create a premature termination codon and result in an absent or disrupted protein product. Loss-of-function variants in PEX10 are known to be pathogenic (PMID: 9683594, 10862081, 21031596).

Literature cited by the submitters: PubMed 9683594; PubMed 10862081; PubMed 21031596.